The following is an entry in ClinVar:

NM_000256.3(MYBPC3):c.3653G>C (p.Gly1218Ala)

Gene: MYBPC3 (myosin binding protein C3; minus strand). Cytogenetic location: 11p11.2.
Variant type: single nucleotide variant.
Coding change: c.3653G>C on transcript NM_000256.3 (MANE Select); coding-DNA position 3653, G replaced by C.
Protein change: p.Gly1218Ala; replaces glycine 1218 with alanine.
Molecular consequence: missense variant.
Genome position (GRCh38, 1-based): chr11:47,332,233, C>G on the plus strand (G>C on the coding strand, the complement: MYBPC3 is on the minus strand). VCF-style: chr11-47332233-C-G. GRCh37 (hg19) VCF-style: chr11-47353784-C-G.
Other names: short protein forms G1218A.
Identifiers: ClinVar variation 1358336 (VCV001358336.8), dbSNP rs2142849541, ClinGen allele CA380311769.

ClinVar aggregate classification (germline): Uncertain significance (1 of 4 stars; one submission).

Conditions:
Hypertrophic cardiomyopathy. Also called: HYPERTROPHIC MYOCARDIOPATHY. Identifiers: Orphanet 217569, MedGen C0007194, MeSH D002312, MONDO:0005045, HP:0001639.

Submission:

Labcorp Genetics (formerly Invitae), Labcorp
Classification: Uncertain significance for Hypertrophic cardiomyopathy. Last evaluated: 2024-01-11. Review status: criteria provided, single submitter. Criteria: Invitae Variant Classification Sherloc (09022015). Collection method: clinical testing. Allele origin: germline.
Comment: This sequence change replaces glycine, which is neutral and non-polar, with alanine, which is neutral and non-polar, at codon 1218 of the MYBPC3 protein (p.Gly1218Ala). This variant is not present in population databases (gnomAD no frequency). This variant has not been reported in the literature in individuals affected with MYBPC3-related conditions. ClinVar contains an entry for this variant (Variation ID: 1358336). An algorithm developed to predict the effect of missense changes on protein structure and function (PolyPhen-2) suggests that this variant is likely to be disruptive. In summary, the available evidence is currently insufficient to determine the role of this variant in disease. Therefore, it has been classified as a Variant of Uncertain Significance.